The following is an entry in ClinVar:

ClinVar aggregate classification (germline): Uncertain significance (1 of 4 stars; one submission).

Allele frequency attached by ClinVar (database versions not stated): gnomAD exomes below 0.00001.

Submission:

Labcorp Genetics (formerly Invitae), Labcorp
Classification: Uncertain significance. Last evaluated: 2023-09-19. Review status: criteria provided, single submitter. Criteria: Invitae Variant Classification Sherloc (09022015). Collection method: clinical testing. Allele origin: germline.
Comment: This variant has not been reported in the literature in individuals affected with ITGAM-related conditions. This variant is present in population databases (no rsID available, gnomAD 0.0009%). This sequence change falls in intron 26 of the ITGAM gene. It does not directly change the encoded amino acid sequence of the ITGAM protein. Algorithms developed to predict the effect of sequence changes on RNA splicing suggest that this variant may create or strengthen a splice site. In summary, the available evidence is currently insufficient to determine the role of this variant in disease. Therefore, it has been classified as a Variant of Uncertain Significance.

NM_000632.4(ITGAM):c.3060+10dup

Gene: ITGAM (integrin subunit alpha M; plus strand). Cytogenetic location: 16p11.2.
Variant type: Duplication.
Coding change: c.3060+10dup on transcript NM_000632.4 (MANE Select); 10 bases into the intron after coding-DNA position 3060, one base duplicated (T; older notation c.3060+10dupT).
Molecular consequence: intron variant.
Genome position (GRCh38, 1-based): chr16:31,330,174, T duplicated. VCF-style (leftmost placement, unchanged base first): chr16-31330173-C-CT. GRCh37 (hg19) VCF-style: chr16-31341494-C-CT.
Other names: c.3063+10dup (NM_001145808.2).
Identifiers: ClinVar variation 2761551 (VCV002761551.3), dbSNP rs1567283709, ClinGen allele CA622173043.